The following is an entry in ClinVar:

NM_000069.3(CACNA1S):c.5466A>G (p.Pro1822=)

Gene: CACNA1S (calcium voltage-gated channel subunit alpha1 S; minus strand). Cytogenetic location: 1q32.1.
Variant type: single nucleotide variant.
Coding change: c.5466A>G on transcript NM_000069.3 (MANE Select); coding-DNA position 5466, A replaced by G.
Protein change: p.Pro1822=; no amino-acid change (proline 1822 retained).
Molecular consequence: synonymous variant.
Genome position (GRCh38, 1-based): chr1:201,039,987, T>C on the plus strand (A>G on the coding strand, the complement: CACNA1S is on the minus strand). VCF-style: chr1-201039987-T-C. GRCh37 (hg19) VCF-style: chr1-201009115-T-C.
Identifiers: ClinVar variation 2582869 (VCV002582869.25), dbSNP rs2464386967, ClinGen allele CA422815104.

ClinVar aggregate classification (germline): Likely benign (1 of 4 stars; one submission).

Submission:

CeGaT Center for Human Genetics Tuebingen
Classification: Likely benign. Last evaluated: 2023-09-01. Review status: criteria provided, single submitter. Criteria: CeGaT Center For Human Genetics Tuebingen Variant Classification Criteria Version 2. Collection method: clinical testing. Allele origin: germline. Affected: yes. Observed: 1 variant allele.
Comment: CACNA1S: PM2:Supporting, BP4, BP7